The following is an entry in ClinVar:

ClinVar aggregate classification (germline): Pathogenic/Likely pathogenic. Review status: criteria provided, multiple submitters, no conflicts (2 of 4 stars). 4 submissions from 4 submitters: Pathogenic (2); Likely pathogenic (2). Last evaluated 2025-04-16.

Conditions:
Retinitis pigmentosa (RP). Identifiers: Orphanet 791, MedGen C0035334, MeSH D012174, MONDO:0019200, OMIM 268000. Inheritance: Autosomal dominant, autosomal recessive and X linked inheritance.
IFT140-related disorders.
Saldino-Mainzer syndrome (SRTD9). Also called: CONORENAL SYNDROME; short-rib thoracic dysplasia 9 with or without polydactyly; SHORT-RIB THORACIC DYSPLASIA 9 WITHOUT POLYDACTYLY; Renal dysplasia, retinal pigmentary dystrophy, cerebellar ataxia and skeletal dysplasia. Identifiers: Orphanet 140969, MedGen C1849437, MONDO:0009964, OMIM 266920.
Retinitis pigmentosa 80 (RP80). Identifiers: MedGen C4540439, MONDO:0054708, OMIM 617781.

Submissions (4):

Labcorp Genetics (formerly Invitae), Labcorp
Classification: Pathogenic for Saldino-Mainzer syndrome. Last evaluated: 2025-04-16. Review status: criteria provided, single submitter. Criteria: Invitae Variant Classification Sherloc (09022015). Collection method: clinical testing. Allele origin: germline.
Comment: This sequence change creates a premature translational stop signal (p.Phe533Tyrfs*12) in the IFT140 gene. It is expected to result in an absent or disrupted protein product. Loss-of-function variants in IFT140 are known to be pathogenic (PMID: 22503633, 23418020, 24009529, 26216056). This variant is not present in population databases (gnomAD no frequency). This variant has not been reported in the literature in individuals affected with IFT140-related conditions. ClinVar contains an entry for this variant (Variation ID: 2104731). For these reasons, this variant has been classified as Pathogenic.

First Genomix Gene Laboratory, Genetic Diagnostics Department
Classification: Likely pathogenic for Retinitis pigmentosa 80; Saldino-Mainzer syndrome. Last evaluated: 2025-04-11. Review status: criteria provided, single submitter. Criteria: ACMG Guidelines, 2015. Collection method: clinical testing. Allele origin: germline. Inheritance: Autosomal recessive inheritance. Affected: no. Observed: 1 variant allele.

Women's Health and Genetics/Laboratory Corporation of America, LabCorp
Classification: Pathogenic for Retinitis pigmentosa. Last evaluated: 2023-12-14. Review status: criteria provided, single submitter. Criteria: LabCorp Variant Classification Summary - May 2015. Collection method: clinical testing. Allele origin: germline.
Comment: Variant summary: IFT140 c.1597_1598insA (p.Phe533TyrfsX12) results in a premature termination codon, predicted to cause a truncation of the encoded protein or absence of the protein due to nonsense mediated decay, which are commonly known mechanisms for disease. The variant was absent in 251422 control chromosomes. To our knowledge, no occurrence of c.1597_1598insA in individuals affected with Retinitis Pigmentosa and no experimental evidence demonstrating its impact on protein function have been reported. One submitter has cited clinical-significance assessments for this variant to ClinVar after 2014 and has classified the variant as pathogenic. Based on the evidence outlined above, the variant was classified as pathogenic.

Blueprint Genetics
Classification: Likely pathogenic for IFT140-related disorders. Last evaluated: 2019-10-23. Review status: criteria provided, single submitter. Criteria: ACMG Guidelines, 2015. Collection method: clinical testing. Allele origin: germline. Affected: yes. Observed: 1 variant allele.

Literature cited by the submitters: PubMed 22503633 (cited by Labcorp Genetics (formerly Invitae), Labcorp); PubMed 23418020 (cited by Labcorp Genetics (formerly Invitae), Labcorp); PubMed 24009529 (cited by Labcorp Genetics (formerly Invitae), Labcorp); PubMed 26216056 (cited by Labcorp Genetics (formerly Invitae), Labcorp).

NM_014714.4(IFT140):c.1597_1598insA (p.Phe533fs)

Gene: IFT140 (intraflagellar transport 140; minus strand). Cytogenetic location: 16p13.3.
Variant type: Insertion.
Coding change: c.1597_1598insA on transcript NM_014714.4 (MANE Select); coding-DNA positions 1597 to 1598, A inserted.
Protein change: p.Phe533fs; shifts the reading frame from phenylalanine 533.
Molecular consequence: frameshift variant.
Genome position: GRCh38 VCF-style: chr16-1571461-A-AT. GRCh37 (hg19) VCF-style: chr16-1621462-A-AT.
Other names: short protein forms F533fs.
Identifiers: ClinVar variation 2104731 (VCV002104731.6), dbSNP rs2507421825, ClinGen allele CA2580090452.
Genomic context (GRCh38, chr16:1,571,461, plus strand): 5'-ATTTACCTTCGGGAAAGATCAAAGCTTTTAAAGTGAGCCAAGTCTGTCCCTACAACCAGG[A>AT]AATTCCCACAGATGTCCAAGAAGCAGGGATTCCCCTCAGTCTCCGAGAAAAGGAGGAGTT-3'